The following is an entry in ClinVar:

NM_001277115.2(DNAH11):c.9423C>T (p.Ile3141=)

Gene: DNAH11 (dynein axonemal heavy chain 11; plus strand). Cytogenetic location: 7p15.3.
Variant type: single nucleotide variant.
Coding change: c.9423C>T on transcript NM_001277115.2 (MANE Select); coding-DNA position 9423, C replaced by T.
Protein change: p.Ile3141=; no amino-acid change (isoleucine 3141 retained).
Molecular consequence: synonymous variant.
Genome position (GRCh38, 1-based): chr7:21,779,044, C>T. VCF-style: chr7-21779044-C-T. GRCh37 (hg19) VCF-style: chr7-21818662-C-T.
Other names: c.9444C>T, p.Ile3148= (NM_003777.3); c.9423C>T (NM_001277115.1).
Identifiers: ClinVar variation 2151664 (VCV002151664.6), dbSNP rs770042297, ClinGen allele CA4181957.

ClinVar aggregate classification (germline): Likely benign. Review status: criteria provided, single submitter (1 of 4 stars). 2 submissions from 2 submitters: Likely benign (1). 1 of the submissions does not count toward it. Last evaluated 2025-07-31.

Conditions:
DNAH11-related disorder. Also called: DNAH11-related condition.
Primary ciliary dyskinesia. Also called: Ciliary dyskinesia. Identifiers: Orphanet 244, MedGen C0008780, MONDO:0016575, HP:0012265.

Allele frequency attached by ClinVar (database versions not stated): gnomAD 0.00003; TOPMed 0.00005; ExAC 0.00008.
gnomAD v4.1: 47 of 1,613,262 alleles (0.0029%); highest among the groups gnomAD compares: Admixed American, 0.065%; no homozygotes.

Submissions (2):

Labcorp Genetics (formerly Invitae), Labcorp
Classification: Likely benign for Primary ciliary dyskinesia. Last evaluated: 2025-07-31. Review status: criteria provided, single submitter. Criteria: Invitae Variant Classification Sherloc (09022015). Collection method: clinical testing. Allele origin: germline.

PreventionGenetics, part of Exact Sciences
Classification: Likely benign for DNAH11-related condition. Last evaluated: 2019-03-22. Review status: no assertion criteria provided. Collection method: clinical testing. Allele origin: germline. Not counted in ClinVar's aggregate classification.
Comment: This variant is classified as likely benign based on ACMG/AMP sequence variant interpretation guidelines (Richards et al. 2015 PMID: 25741868, with internal and published modifications).